The following is an entry in ClinVar:

NM_018089.3(ANKZF1):c.1691+5G>A

Gene: ANKZF1 (ankyrin repeat and zinc finger peptidyl tRNA hydrolase 1; plus strand). Cytogenetic location: 2q35.
Variant type: single nucleotide variant.
Coding change: c.1691+5G>A on transcript NM_018089.3 (MANE Select); 5 bases into the intron after coding-DNA position 1691, G replaced by A.
Molecular consequence: intron variant.
Genome position (GRCh38, 1-based): chr2:219,235,317, G>A. VCF-style: chr2-219235317-G-A. GRCh37 (hg19) VCF-style: chr2-220100039-G-A.
Other names: c.1691+5G>A (NM_001042410.2); c.1061+5G>A (NM_001282792.2).
Identifiers: ClinVar variation 3636205 (VCV003636205.2).

ClinVar aggregate classification (germline): Uncertain significance (1 of 4 stars; one submission).

gnomAD v4.1: 30 of 1,607,284 alleles (0.0019%); highest among the groups gnomAD compares: Non-Finnish European, 0.0025%; no homozygotes.

Submission:

Labcorp Genetics (formerly Invitae), Labcorp
Classification: Uncertain significance. Last evaluated: 2024-01-31. Review status: criteria provided, single submitter. Criteria: Invitae Variant Classification Sherloc (09022015). Collection method: clinical testing. Allele origin: germline.
Comment: This sequence change falls in intron 10 of the ANKZF1 gene. It does not directly change the encoded amino acid sequence of the ANKZF1 protein. It affects a nucleotide within the consensus splice site. This variant is present in population databases (rs752130991, gnomAD 0.002%). This variant has not been reported in the literature in individuals affected with ANKZF1-related conditions. Variants that disrupt the consensus splice site are a relatively common cause of aberrant splicing (PMID: 17576681, 9536098). Algorithms developed to predict the effect of sequence changes on RNA splicing suggest that this variant may disrupt the consensus splice site. In summary, the available evidence is currently insufficient to determine the role of this variant in disease. Therefore, it has been classified as a Variant of Uncertain Significance.

Literature cited by the submitters: PubMed 17576681; PubMed 9536098.